The following is an entry in ClinVar:

NM_001429.4(EP300):c.5462G>A (p.Arg1821Gln)

Gene: EP300 (EP300 lysine acetyltransferase; plus strand). Cytogenetic location: 22q13.2.
Variant type: single nucleotide variant.
Coding change: c.5462G>A on transcript NM_001429.4 (MANE Select); coding-DNA position 5462, G replaced by A.
Protein change: p.Arg1821Gln; replaces arginine 1821 with glutamine.
Molecular consequence: missense variant.
Genome position (GRCh38, 1-based): chr22:41,177,173, G>A. VCF-style: chr22-41177173-G-A. GRCh37 (hg19) VCF-style: chr22-41573177-G-A.
Other names: c.5384G>A, p.Arg1795Gln (NM_001362843.2); short protein forms R1795Q, R1821Q.
Identifiers: ClinVar variation 3255110 (VCV003255110.2), dbSNP rs747329417.
Genomic context (GRCh38, chr22:41,177,173, plus strand): 5'-GCCCGGTGCCGTTCTGCCTAAACATCAAGCAGAAGCTCCGGCAGCAACAGCTGCAGCACC[G>A]ACTACAGCAGGCCCAAATGCTTCGCAGGAGGATGGCCAGCATGCAGCGGACTGGTGTGGT-3'
Protein context (NP_001420.2, residues 1811-1831): QKLRQQQLQH[Arg1821Gln]LQQAQMLRRR

ClinVar aggregate classification (germline): Uncertain significance. Review status: criteria provided, multiple submitters, no conflicts (2 of 4 stars). 2 submissions from 2 submitters: Uncertain significance (2). Last evaluated 2023-07-16.

Conditions:
Menke-Hennekam syndrome 2 (MKHK2). Identifiers: MedGen C5193035, MONDO:0020769, OMIM 618333.

Allele frequency attached by ClinVar (database versions not stated): gnomAD exomes below 0.00001; ExAC 0.00001; gnomAD 0.00001.
gnomAD v4.1: 2 of 1,613,916 alleles (0.00012%); highest among the groups gnomAD compares: Non-Finnish European, 0.000085%; no homozygotes.

Submissions (2):

Victorian Clinical Genetics Services, Murdoch Childrens Research Institute
Classification: Uncertain significance for Menke-Hennekam syndrome 2. Last evaluated: 2023-07-16. Review status: criteria provided, single submitter. Criteria: ACMG Guidelines, 2015. Collection method: clinical testing. Allele origin: germline. Inheritance: Autosomal dominant inheritance. Affected: yes.
Comment: Based on the classification scheme VCGS_Germline_v1.3.4, this variant is classified as VUS-3B. Following criteria are met: 0102 - Loss of function is a known mechanism of disease in this gene and is associated with Rubinstein-Taybi syndrome 2 (RSTS; MIM#613684) and Menke-Hennekam syndrome 2 (MHS2; MIM#618333). Additionally, dominant negative is a suggested mechanism (PMIDs: 20301699, 24381114). Variants reported to cause RSTS are found throughout the protein, whereas of the few variants reported to cause MHS, all were located in exon 31 (PMID: 29460469). (I) 0107 - This gene is associated with autosomal dominant disease. (I) 0115 - Variants in this gene are known to have variable expressivity. Clinical features and developmental outcomes vary considerably between individuals with RSTS, with rare reports of pathogenic variants inherited from asymptomatic or mildly affected parents (PMID: 20301699). (I) 0200 - Variant is predicted to result in a missense amino acid change from arginine to glutamine. (I) 0251 - This variant is heterozygous. (I) 0302 - Variant is present in gnomAD (v2, v3) <0.001 for a dominant condition (1 heterozygote, 0 homozygotes). (SP) 0502 - Missense variant with conflicting in silico predictions and uninformative conservation. (I) 0604 - Variant is not located in an established domain, motif, hotspot or informative constraint region. (I) 0705 - No comparable missense variants have previous evidence for pathogenicity. (I) 0807 - This variant has no previous evidence of pathogenicity. (I) 0905 - No published segregation evidence has been identified for this variant. (I) 1007 - No published functional evidence has been identified for this variant. (I) 1208 - Inheritance information for this variant is not currently available in this individual. (I) Legend: (SP) - Supporting pathogenic, (I) - Information, (SB) - Supporting benign

Blueprint Genetics
Classification: Uncertain significance. Last evaluated: 2021-01-29. Review status: criteria provided, single submitter. Criteria: ACMG Guidelines, 2015. Collection method: clinical testing. Allele origin: germline.

Literature cited by the submitters: PubMed 20301699 (cited by Victorian Clinical Genetics Services, Murdoch Childrens Research Institute); PubMed 24381114 (cited by Victorian Clinical Genetics Services, Murdoch Childrens Research Institute); PubMed 29460469 (cited by Victorian Clinical Genetics Services, Murdoch Childrens Research Institute).